The following is an entry in ClinVar:

NM_007347.5(AP4E1):c.2108T>C (p.Leu703Pro)

Gene: AP4E1 (adaptor related protein complex 4 subunit epsilon 1; plus strand). Cytogenetic location: 15q21.2.
Variant type: single nucleotide variant.
Coding change: c.2108T>C on transcript NM_007347.5 (MANE Select); coding-DNA position 2108, T replaced by C.
Protein change: p.Leu703Pro; replaces leucine 703 with proline.
Molecular consequence: missense variant.
Genome position (GRCh38, 1-based): chr15:50,993,387, T>C. VCF-style: chr15-50993387-T-C. GRCh37 (hg19) VCF-style: chr15-51285584-T-C.
Other names: c.1883T>C, p.Leu628Pro (NM_001252127.2); c.2108T>C (NM_007347.3); short protein forms L628P, L703P.
Identifiers: ClinVar variation 2315911 (VCV002315911.8), dbSNP rs867802067, ClinGen allele CA270523568.

ClinVar aggregate classification (germline): Uncertain significance. Review status: criteria provided, multiple submitters, no conflicts (2 of 4 stars). 2 submissions from 2 submitters: Uncertain significance (2). Last evaluated 2022-10-03.

Conditions:
Inborn genetic diseases. Identifiers: MedGen C0950123, MeSH D030342.
Spastic paraplegia. Identifiers: MedGen C0037772, HP:0001258.

Allele frequency attached by ClinVar (database versions not stated): gnomAD exomes below 0.00001.
gnomAD v4.1: 1 of 1,613,944 alleles (0.000062%); highest among the groups gnomAD compares: African/African-American, 0.0013%; no homozygotes.

Submissions (2):

Ambry Genetics
Classification: Uncertain significance for Inborn genetic diseases. Last evaluated: 2022-10-03. Review status: criteria provided, single submitter. Criteria: Ambry Variant Classification Scheme 2023. Collection method: clinical testing. Allele origin: germline.

Labcorp Genetics (formerly Invitae), Labcorp
Classification: Uncertain significance for Spastic paraplegia. Last evaluated: 2022-01-13. Review status: criteria provided, single submitter. Criteria: Invitae Variant Classification Sherloc (09022015). Collection method: clinical testing. Allele origin: germline.
Comment: This sequence change replaces leucine, which is neutral and non-polar, with proline, which is neutral and non-polar, at codon 703 of the AP4E1 protein (p.Leu703Pro). This variant is not present in population databases (gnomAD no frequency). This variant has not been reported in the literature in individuals affected with AP4E1-related conditions. Algorithms developed to predict the effect of missense changes on protein structure and function are either unavailable or do not agree on the potential impact of this missense change (SIFT: "Deleterious"; PolyPhen-2: "Probably Damaging"; Align-GVGD: "Class C0"). In summary, the available evidence is currently insufficient to determine the role of this variant in disease. Therefore, it has been classified as a Variant of Uncertain Significance.